The following is an entry in ClinVar:

NM_000520.6(HEXA):c.1545A>G (p.Gln515=)

Gene: HEXA (hexosaminidase subunit alpha; minus strand). Cytogenetic location: 15q23.
Variant type: single nucleotide variant.
Coding change: c.1545A>G on transcript NM_000520.6 (MANE Select); coding-DNA position 1545, A replaced by G.
Protein change: p.Gln515=; no amino-acid change (glutamine 515 retained).
Molecular consequence: synonymous variant.
Genome position (GRCh38, 1-based): chr15:72,344,122, T>C on the plus strand (A>G on the coding strand, the complement: HEXA is on the minus strand). VCF-style: chr15-72344122-T-C. GRCh37 (hg19) VCF-style: chr15-72636463-T-C.
Other names: c.1545A>G (NM_000520.5); c.1578A>G, p.Gln526= (NM_001318825.2).
Identifiers: ClinVar variation 702875 (VCV000702875.11), dbSNP rs369398952, ClinGen allele CA7644647.
Genomic context (GRCh38, chr15:72,344,122, plus strand): 5'-CTCGGTGCCTGGGGCTCAGGTCTGTTCAAACTCCTGCTCACAGAAGCCTACATTGAGGGG[T>C]TGGGCCTGGACACCTCGCCTGCAAGAGGACATGAAGAAATGGCAAGATAAGCCCCTCAGA-3'
Protein context (NP_000511.2, residues 505-525): CELLRRGVQA[Gln515=]PLNVGFCEQE

ClinVar aggregate classification (germline): Likely benign. Review status: criteria provided, single submitter (1 of 4 stars). 2 submissions from 2 submitters: Likely benign (1). 1 of the submissions does not count toward it. Last evaluated 2025-12-23.

Conditions:
HEXA-related disorder. Also called: HEXA-related condition.
Tay-Sachs disease (TSD). Also called: Hexosaminidase A Deficiency; GM2 gangliosidosis, type 1; Hexosaminidase alpha-subunit deficiency (variant B); Sphingolipidosis, Tay-Sachs; HEXA Disorders; HEXA DEFICIENCY. Identifiers: Orphanet 845, MedGen C0039373, MONDO:0010100, OMIM 272800.

Allele frequency attached by ClinVar (database versions not stated): ExAC 0.00004; ESP Exome Variant Server 0.00008; gnomAD 0.00001; gnomAD exomes 0.00001 and 0.00002; TOPMed 0.00002.
gnomAD v4.1: 11 of 1,613,676 alleles (0.00068%); highest among the groups gnomAD compares: Admixed American, 0.0033%; no homozygotes.

Submissions (2):

Labcorp Genetics (formerly Invitae), Labcorp
Classification: Likely benign for Tay-Sachs disease. Last evaluated: 2025-12-23. Review status: criteria provided, single submitter. Criteria: Invitae Variant Classification Sherloc (09022015). Collection method: clinical testing. Allele origin: germline.

PreventionGenetics, part of Exact Sciences
Classification: Likely benign for HEXA-related condition. Last evaluated: 2021-11-09. Review status: no assertion criteria provided. Collection method: clinical testing. Allele origin: germline. Not counted in ClinVar's aggregate classification.
Comment: This variant is classified as likely benign based on ACMG/AMP sequence variant interpretation guidelines (Richards et al. 2015 PMID: 25741868, with internal and published modifications).